The following is an entry in ClinVar:

ClinVar aggregate classification (germline): Uncertain significance. Review status: criteria provided, multiple submitters, no conflicts (2 of 4 stars). 2 submissions from 2 submitters: Uncertain significance (2). Last evaluated 2025-04-24.

Submissions (2):

GeneDx
Classification: Uncertain significance. Last evaluated: 2025-04-24. Review status: criteria provided, single submitter. Criteria: GeneDx Variant Classification Process June 2021. Collection method: clinical testing. Allele origin: germline. Affected: yes.
Comment: Not observed at significant frequency in large population cohorts (gnomAD); In silico analysis, which includes splice predictors and evolutionary conservation, supports a deleterious effect; Has not been previously published as pathogenic or benign to our knowledge

Eurofins Ntd Llc (ga)
Classification: Uncertain significance. Last evaluated: 2018-06-11. Review status: criteria provided, single submitter. Criteria: EGL ClinVar v180209 classification definitions. Collection method: clinical testing. Allele origin: germline. Observed: 1 variant allele, 1 heterozygote.

NM_078480.3(PUF60):c.24+3_24+6del

Genes: PUF60 (poly(U) binding splicing factor 60; minus strand), LOC126860549 (MED14-independent group 3 enhancer GRCh37_chr8:144911577-144912776; plus strand). Cytogenetic location: 8q24.3.
Variant type: Deletion.
Coding change: c.24+3_24+6del on transcript NM_078480.3 (MANE Select); bases 3 to 6 of the intron after coding-DNA position 24, 4 bases deleted (AAGT; older notation c.24+3_24+6delAAGT).
Molecular consequence: splice donor variant.
Genome position (GRCh38, 1-based): chr8:143,829,274-143,829,277, ACTT deleted on the plus strand (AAGT on the coding strand, the reverse complement: PUF60 is on the minus strand); deleting any 4 consecutive bases within chr8:143,829,274-143,829,279 gives the same sequence; the c. name uses the placement nearest the transcript's 3' end. VCF-style (leftmost placement, unchanged base first): chr8-143829273-CACTT-C. GRCh37 (hg19) VCF-style: chr8-144911443-CACTT-C.
Other names: c.24+3_24+6del (NM_001271097.2, NM_001271099.2, NM_001271096.2 and 2 more transcripts).
Identifiers: ClinVar variation 504037 (VCV000504037.8), dbSNP rs782172407, ClinGen allele CA4920891.